The following is an entry in ClinVar:

NM_006846.4(SPINK5):c.1078G>A (p.Ala360Thr)

Gene: SPINK5 (serine peptidase inhibitor Kazal type 5; plus strand). Cytogenetic location: 5q32.
Variant type: single nucleotide variant.
Coding change: c.1078G>A on transcript NM_006846.4 (MANE Select); coding-DNA position 1078, G replaced by A.
Protein change: p.Ala360Thr; replaces alanine 360 with threonine.
Molecular consequence: missense variant.
Genome position (GRCh38, 1-based): chr5:148,099,301, G>A. VCF-style: chr5-148099301-G-A. GRCh37 (hg19) VCF-style: chr5-147478864-G-A.
Other names: c.1078G>A, p.Ala360Thr (NM_001127698.2, NM_001127699.2); short protein forms A360T.
Identifiers: ClinVar variation 843576 (VCV000843576.10), dbSNP rs529385811, ClinGen allele CA3495456.
Genomic context (GRCh38, chr5:148,099,301, plus strand): 5'-GAAAATGAAGAAAAGAAAAAGGCTGAAGCACGAGCTAGAAACAAAAGAGAATCTGGAAAA[G>A]CAACCTCATATGCAGTGAGTGGAATCCATCCAATAAATCCTATTTGGTGCTATAATTTGA-3'
Protein context (NP_006837.2, residues 350-370): RARNKRESGK[Ala360Thr]TSYAELCSEY

ClinVar aggregate classification (germline): Uncertain significance. Review status: criteria provided, multiple submitters, no conflicts (2 of 4 stars). 2 submissions from 2 submitters: Uncertain significance (2). Last evaluated 2025-07-21.

Conditions:
Ichthyosis linearis circumflexa. Identifiers: MedGen C0265962, MONDO:0043106, HP:0025810.
Inborn genetic diseases. Identifiers: MedGen C0950123, MeSH D030342.

Allele frequency attached by ClinVar (database versions not stated): gnomAD exomes 0.00003; ExAC 0.00004; gnomAD 0.00009; TOPMed 0.00017; 1000 Genomes Project 0.00020; 1000 Genomes Project 30x 0.00031.

Submissions (2):

Labcorp Genetics (formerly Invitae), Labcorp
Classification: Uncertain significance for Ichthyosis linearis circumflexa. Last evaluated: 2025-07-21. Review status: criteria provided, single submitter. Criteria: Invitae Variant Classification Sherloc (09022015). Collection method: clinical testing. Allele origin: germline.
Comment: This sequence change replaces alanine, which is neutral and non-polar, with threonine, which is neutral and polar, at codon 360 of the SPINK5 protein (p.Ala360Thr). This variant is present in population databases (rs529385811, gnomAD 0.04%). This variant has not been reported in the literature in individuals affected with SPINK5-related conditions. ClinVar contains an entry for this variant (Variation ID: 843576). Invitae Evidence Modeling of protein sequence and biophysical properties (such as structural, functional, and spatial information, amino acid conservation, physicochemical variation, residue mobility, and thermodynamic stability) indicates that this missense variant is not expected to disrupt SPINK5 protein function with a negative predictive value of 80%. In summary, the available evidence is currently insufficient to determine the role of this variant in disease. Therefore, it has been classified as a Variant of Uncertain Significance.

Ambry Genetics
Classification: Uncertain significance for Inborn genetic diseases. Last evaluated: 2022-06-24. Review status: criteria provided, single submitter. Criteria: Ambry Variant Classification Scheme 2023. Collection method: clinical testing. Allele origin: germline.